The following is an entry in ClinVar:

ClinVar aggregate classification (germline): Uncertain significance. Review status: criteria provided, multiple submitters, no conflicts (2 of 4 stars). 2 submissions from 2 submitters: Uncertain significance (2). Last evaluated 2022-05-03.

Allele frequency attached by ClinVar (database versions not stated): gnomAD exomes below 0.00001 and 0.00001; gnomAD 0.00001.
gnomAD v4.1: 2 of 1,203,061 alleles (0.00017%); highest among the groups gnomAD compares: Admixed American, 0.0022%; no homozygotes.

Submissions (2):

Labcorp Genetics (formerly Invitae), Labcorp
Classification: Uncertain significance. Last evaluated: 2022-05-03. Review status: criteria provided, single submitter. Criteria: Invitae Variant Classification Sherloc (09022015). Collection method: clinical testing. Allele origin: germline.
Comment: In summary, the available evidence is currently insufficient to determine the role of this variant in disease. Therefore, it has been classified as a Variant of Uncertain Significance. Algorithms developed to predict the effect of missense changes on protein structure and function are either unavailable or do not agree on the potential impact of this missense change (SIFT: "Deleterious"; PolyPhen-2: "Not Available"; Align-GVGD: "Class C0"). ClinVar contains an entry for this variant (Variation ID: 1335764). This variant has not been reported in the literature in individuals affected with SLC9A7-related conditions. This variant is present in population databases (no rsID available, gnomAD 0.004%). This sequence change replaces isoleucine, which is neutral and non-polar, with valine, which is neutral and non-polar, at codon 296 of the SLC9A7 protein (p.Ile296Val).

CeGaT Center for Human Genetics Tuebingen
Classification: Uncertain significance. Last evaluated: 2021-12-01. Review status: criteria provided, single submitter. Criteria: CeGaT Center For Human Genetics Tuebingen Variant Classification Criteria Version 2. Collection method: clinical testing. Allele origin: germline. Affected: yes. Observed: 2 variant alleles.

NM_001257291.2(SLC9A7):c.886A>G (p.Ile296Val)

Gene: SLC9A7 (solute carrier family 9 member A7; minus strand). Cytogenetic location: Xp11.3.
Variant type: single nucleotide variant.
Coding change: c.886A>G on transcript NM_001257291.2 (MANE Select); coding-DNA position 886, A replaced by G.
Protein change: p.Ile296Val; replaces isoleucine 296 with valine.
Molecular consequence: missense variant.
Genome position (GRCh38, 1-based): chrX:46,662,551, T>C on the plus strand (A>G on the coding strand, the complement: SLC9A7 is on the minus strand). VCF-style: chrX-46662551-T-C. GRCh37 (hg19) VCF-style: chrX-46521986-T-C.
Other names: c.886A>G, p.Ile296Val (NM_032591.3); short protein forms I296V.
Identifiers: ClinVar variation 1335764 (VCV001335764.39), dbSNP rs1186071787, ClinGen allele CA413037096.